The following is an entry in ClinVar:

NM_001080517.3(SETD5):c.3172C>T (p.Gln1058Ter)

Gene: SETD5 (SET domain containing 5; plus strand). Cytogenetic location: 3p25.3.
Variant type: single nucleotide variant.
Coding change: c.3172C>T on transcript NM_001080517.3 (MANE Select); coding-DNA position 3172, C replaced by T.
Protein change: p.Gln1058Ter; replaces glutamine 1058 with a stop codon.
Molecular consequence: nonsense.
Genome position (GRCh38, 1-based): chr3:9,470,906, C>T. VCF-style: chr3-9470906-C-T. GRCh37 (hg19) VCF-style: chr3-9512590-C-T.
Other names: c.2878C>T, p.Gln960Ter (NM_001292043.2, NM_001349451.2); c.3268C>T, p.Gln1090Ter (NM_001437633.1); c.3286C>T, p.Gln1096Ter (NM_001437635.1); c.3229C>T, p.Gln1077Ter (NM_001437643.1); c.3211C>T, p.Gln1071Ter (NM_001437701.1); short protein forms Q1058*, Q1071*, Q1077*, Q1090*, Q1096*, Q960*.
Identifiers: ClinVar variation 4082883 (VCV004082883.3).

ClinVar aggregate classification (germline): Pathogenic/Likely pathogenic. Review status: criteria provided, multiple submitters, no conflicts (2 of 4 stars). 2 submissions from 2 submitters: Pathogenic (1); Likely pathogenic (1). Last evaluated 2025-09-23.

Conditions:
SETD5-related disorder. Also called: SETD5-related disorders; SETD5-related condition.

Submissions (2):

GeneDx
Classification: Pathogenic. Last evaluated: 2025-09-23. Review status: criteria provided, single submitter. Criteria: GeneDx Variant Classification Process June 2021. Collection method: clinical testing. Allele origin: germline.
Comment: Nonsense variant predicted to result in protein truncation or nonsense mediated decay in a gene for which loss of function is a known mechanism of disease; Not observed at significant frequency in large population cohorts (gnomAD); Has not been previously published as pathogenic or benign to our knowledge

Blueprint Genetics
Classification: Likely pathogenic for SETD5-related disorders. Last evaluated: 2024-11-01. Review status: criteria provided, single submitter. Criteria: ACMG Guidelines, 2015. Collection method: clinical testing. Allele origin: germline. Affected: yes. Observed: 1 variant allele.